The following is an entry in ClinVar:

ClinVar aggregate classification (germline): Uncertain significance. Review status: criteria provided, single submitter (1 of 4 stars). 2 submissions from 2 submitters: Uncertain significance (1). 1 of the submissions does not count toward it. Last evaluated 2019-07-12.

Conditions:
Mitochondrial skeletal myopathy, responsive to riboflavin. Identifiers: MedGen C5935670.
MELAS syndrome (MELAS). Also called: Juvenile myopathy, encephalopathy, lactic acidosis, stroke. Identifiers: Orphanet 550, MedGen C0162671, MONDO:0010789, OMIM 540000.

Submissions (2):

Wong Mito Lab, Molecular and Human Genetics, Baylor College of Medicine
Classification: Uncertain significance for MELAS syndrome. Last evaluated: 2019-07-12. Review status: criteria provided, single submitter. Criteria: Modified ACMG Guidelines (Unpublished). Collection method: clinical testing. Allele origin: germline.
Comment: The NC_012920.1:m.3250T>C variant in MT-TL1 gene is interpreted to be a Unknown Significance variant based on the modified ACMG guidelines (unpublished). This variant meets the following evidence codes reported in the guidelines: PM8, PP6, BS4

OMIM
Classification: Pathogenic for MITOCHONDRIAL SKELETAL MYOPATHY, RESPONSIVE TO RIBOFLAVIN. Last evaluated: 1997-01-01. Review status: no assertion criteria provided. Collection method: literature only. Allele origin: germline. Not counted in ClinVar's aggregate classification.

Literature cited by the submitters: PubMed 31965079 (cited by Wong Mito Lab, Molecular and Human Genetics, Baylor College of Medicine); PubMed 1514779 (cited by Wong Mito Lab, Molecular and Human Genetics, Baylor College of Medicine and OMIM); PubMed 9003864 (cited by Wong Mito Lab, Molecular and Human Genetics, Baylor College of Medicine and OMIM); PubMed 12160969 (cited by Wong Mito Lab, Molecular and Human Genetics, Baylor College of Medicine).

NC_012920.1(MT-TL1):m.3250T>C

Gene: MT-TL1 (mitochondrially encoded tRNA leucine 1 (UUA/G); plus strand).
Variant type: single nucleotide variant.
Genome position: chrM-3250-T-C.
Other names: 3250T-C.
Identifiers: ClinVar variation 9593 (VCV000009593.3), dbSNP rs199474664, ClinGen allele CA120563.